The following is an entry in ClinVar:

NM_017849.4(TMEM127):c.278_288del (p.Leu93fs)

Gene: TMEM127 (transmembrane protein 127; minus strand). Cytogenetic location: 2q11.2.
Variant type: Deletion.
Coding change: c.278_288del on transcript NM_017849.4 (MANE Select); coding-DNA positions 278 to 288, 11 bases deleted (TGCGGGTCATC).
Protein change: p.Leu93fs; shifts the reading frame from leucine 93.
Molecular consequence: frameshift variant.
Genome position (GRCh38, 1-based): chr2:96,254,954-96,254,964, GATGACCCGCA deleted on the plus strand (TGCGGGTCATC on the coding strand, the reverse complement: TMEM127 is on the minus strand); deleting any 11 consecutive bases within chr2:96,254,954-96,254,965 gives the same sequence; the c. name uses the placement nearest the transcript's 3' end. VCF-style (leftmost placement, unchanged base first): chr2-96254953-CGATGACCCGCA-C. GRCh37 (hg19) VCF-style: chr2-96920691-CGATGACCCGCA-C.
Other names: c.278_288del, p.Leu93fs (NM_001193304.3); c.25_35delCTGCGGGTCAT, p.Leu9Argfs (NM_001407282.1, NM_001407283.1); short protein forms L93fs.
Identifiers: ClinVar variation 1879480 (VCV001879480.29), dbSNP rs2467266581, ClinGen allele CA2580068335.

ClinVar aggregate classification (germline): Pathogenic (1 of 4 stars; one submission).

Submission:

CeGaT Center for Human Genetics Tuebingen
Classification: Pathogenic. Last evaluated: 2023-03-01. Review status: criteria provided, single submitter. Criteria: CeGaT Center For Human Genetics Tuebingen Variant Classification Criteria Version 2. Collection method: clinical testing. Allele origin: germline. Affected: yes. Observed: 2 variant alleles.
Comment: TMEM127: PVS1, PM2